The following is an entry in ClinVar:

NM_203446.3(SYNJ1):c.*4G>A

Gene: SYNJ1 (synaptojanin 1; minus strand). Cytogenetic location: 21q22.11.
Variant type: single nucleotide variant.
Coding change: c.*4G>A on transcript NM_203446.3 (MANE Select); 4 bases downstream of the stop codon, G replaced by A.
Molecular consequence: 3 prime UTR variant. On other transcripts: missense variant (2).
Genome position (GRCh38, 1-based): chr21:32,631,801, C>T on the plus strand (G>A on the coding strand, the complement: SYNJ1 is on the minus strand). VCF-style: chr21-32631801-C-T. GRCh37 (hg19) VCF-style: chr21-34004111-C-T.
Other names: c.*4G>A (NM_001160302.2); c.3775G>A, p.Val1259Ile (NM_001160306.2); c.4033G>A, p.Val1345Ile (NM_003895.4); short protein forms V1345I, V1259I.
Identifiers: ClinVar variation 478352 (VCV000478352.20), dbSNP rs115648918, ClinGen allele CA10003187.

ClinVar aggregate classification (germline): Likely benign. Review status: criteria provided, multiple submitters, no conflicts (2 of 4 stars). 6 submissions from 6 submitters: Likely benign (5). 1 of the submissions does not count toward it. Last evaluated 2026-01-12.

Conditions:
SYNJ1-related disorder. Also called: SYNJ1-related condition.
Early-onset Parkinson disease 20. Also called: PARKINSON DISEASE 20, AUTOSOMAL RECESSIVE EARLY-ONSET. Identifiers: Orphanet 391411, MedGen C3809824, MONDO:0014233, OMIM 615530.
Developmental and epileptic encephalopathy, 53. Also called: Epileptic encephalopathy, early infantile, 53. Identifiers: MedGen C4479313, MONDO:0033362, OMIM 617389.

Allele frequency attached by ClinVar (database versions not stated): gnomAD exomes 0.00027 and 0.00062; ExAC 0.00084; gnomAD 0.00149 and 0.00158; 1000 Genomes Project 0.00180; 1000 Genomes Project 30x 0.00187; TOPMed 0.00198; ESP Exome Variant Server 0.00238.

Submissions (6):

Labcorp Genetics (formerly Invitae), Labcorp
Classification: Likely benign for Developmental and epileptic encephalopathy, 53; Early-onset Parkinson disease 20. Last evaluated: 2026-01-12. Review status: criteria provided, single submitter. Criteria: Invitae Variant Classification Sherloc (09022015). Collection method: clinical testing. Allele origin: germline.

Genomic Medicine Center of Excellence, King Faisal Specialist Hospital and Research Centre
Classification: Likely benign for Early-onset Parkinson disease 20. Last evaluated: 2025-09-10. Review status: criteria provided, single submitter. Criteria: ACMG Guidelines, 2015. Collection method: clinical testing. Allele origin: germline.

ARUP Laboratories, Molecular Genetics and Genomics, ARUP Laboratories
Classification: Likely benign. Last evaluated: 2024-10-11. Review status: criteria provided, single submitter. Criteria: ARUP Molecular Germline Variant Investigation Process 2024. Collection method: clinical testing. Allele origin: germline.

GeneDx
Classification: Likely benign. Last evaluated: 2021-03-18. Review status: criteria provided, single submitter. Criteria: GeneDx Variant Classification Process June 2021. Collection method: clinical testing. Allele origin: germline. Affected: yes.
Comment: This variant is associated with the following publications: (PMID: 27393345)

Breakthrough Genomics
Classification: Likely benign. Review status: criteria provided, single submitter. Criteria: ACMG Guidelines, 2015. Collection method: not provided. Allele origin: germline. Inheritance: Autosomal recessive inheritance. Affected: yes.

PreventionGenetics, part of Exact Sciences
Classification: Likely benign for SYNJ1-related condition. Last evaluated: 2023-11-16. Review status: no assertion criteria provided. Collection method: clinical testing. Allele origin: germline. Not counted in ClinVar's aggregate classification.
Comment: This variant is classified as likely benign based on ACMG/AMP sequence variant interpretation guidelines (Richards et al. 2015 PMID: 25741868, with internal and published modifications).